The following is an entry in ClinVar:

ClinVar aggregate classification (germline): Uncertain significance. Review status: criteria provided, multiple submitters, no conflicts (2 of 4 stars). 3 submissions from 3 submitters: Uncertain significance (3). Last evaluated 2026-07-27.

Conditions:
Hereditary cancer-predisposing syndrome. Also called: Hereditary Cancer Syndrome; Hereditary neoplastic syndrome; Neoplastic Syndromes, Hereditary; Tumor predisposition. Identifiers: Orphanet 140162, MedGen C0027672, MeSH D009386, MONDO:0015356.

gnomAD v4.1: 1 of 1,613,988 alleles (0.000062%); highest among the groups gnomAD compares: Non-Finnish European, 0.000085%; no homozygotes.

Submissions (3):

Ambry Genetics
Classification: Uncertain significance for Hereditary cancer-predisposing syndrome. Last evaluated: 2026-07-27. Review status: criteria provided, single submitter. Criteria: Ambry Variant Classification Scheme 2023. Collection method: clinical testing. Allele origin: germline.
Comment: The p.V1377I variant (also known as c.4129G>A), located in coding exon 15 of the APC gene, results from a G to A substitution at nucleotide position 4129. The valine at codon 1377 is replaced by isoleucine, an amino acid with highly similar properties. This amino acid position is conserved. In addition, in silico predictors for this gene do not accurately predict pathogenicity. Based on the available evidence, the clinical significance of this variant remains unclear.

GeneDx
Classification: Uncertain significance. Last evaluated: 2025-08-11. Review status: criteria provided, single submitter. Criteria: GeneDx Variant Classification Process June 2021. Collection method: clinical testing. Allele origin: germline. Affected: yes.
Comment: Not observed at significant frequency in large population cohorts (gnomAD); In silico analysis suggests that this missense variant does not alter protein structure/function; Has not been previously published as pathogenic or benign to our knowledge; This variant is associated with the following publications: (PMID: 18199528)

Blueprint Genetics
Classification: Uncertain significance. Last evaluated: 2024-05-22. Review status: criteria provided, single submitter. Criteria: ACMG Guidelines, 2015. Collection method: clinical testing. Allele origin: germline.

NM_000038.6(APC):c.4129G>A (p.Val1377Ile)

Gene: APC (APC regulator of Wnt signaling pathway; plus strand). Cytogenetic location: 5q22.2.
Variant type: single nucleotide variant.
Coding change: c.4129G>A on transcript NM_000038.6 (MANE Select); coding-DNA position 4129, G replaced by A.
Protein change: p.Val1377Ile; replaces valine 1377 with isoleucine.
Molecular consequence: missense variant. On other transcripts: non-coding transcript variant (2).
Genome position (GRCh38, 1-based): chr5:112,839,723, G>A. VCF-style: chr5-112839723-G-A. GRCh37 (hg19) VCF-style: chr5-112175420-G-A.
Other names: c.4129G>A, p.Val1377Ile (NM_001127510.3, NM_001354895.2, NM_001407450.1); c.4075G>A, p.Val1359Ile (NM_001127511.3); c.4183G>A, p.Val1395Ile (NM_001354896.2, NM_001407447.1, NM_001407448.1 and 1 more transcripts); c.4159G>A, p.Val1387Ile (NM_001354897.2); c.4054G>A, p.Val1352Ile (NM_001354898.2); c.4045G>A, p.Val1349Ile (NM_001354899.2); c.4006G>A, p.Val1336Ile (NM_001354900.2); c.3952G>A, p.Val1318Ile (NM_001354901.2, NM_001407453.1); and 11 more; short protein forms V1248I, V1251I, V1286I, V1294I, V1318I, V1352I, V1367I, V1405I.
Identifiers: ClinVar variation 4795704 (VCV004795704.3).